The following is an entry in ClinVar:

ClinVar aggregate classification (germline): Uncertain significance (1 of 4 stars; one submission).

Conditions:
Charcot-Marie-Tooth disease type 2E (CMT2E). Also called: CHARCOT-MARIE-TOOTH DISEASE, AXONAL, TYPE 2E; CHARCOT-MARIE-TOOTH NEUROPATHY, TYPE 2E. Identifiers: Orphanet 99939, MedGen C1843225, MONDO:0011894, OMIM 607684.

Allele frequency attached by ClinVar (database versions not stated): gnomAD 0.00001; gnomAD exomes 0.00001; TOPMed 0.00002.
gnomAD v4.1: 11 of 1,613,722 alleles (0.00068%); highest among the groups gnomAD compares: Admixed American, 0.0017%; no homozygotes.

Submission:

Labcorp Genetics (formerly Invitae), Labcorp
Classification: Uncertain significance for Charcot-Marie-Tooth disease type 2E. Last evaluated: 2021-07-20. Review status: criteria provided, single submitter. Criteria: Invitae Variant Classification Sherloc (09022015). Collection method: clinical testing. Allele origin: germline.
Comment: This sequence change replaces valine with leucine at codon 286 of the NEFL protein (p.Val286Leu). The valine residue is highly conserved and there is a small physicochemical difference between valine and leucine. This variant is not present in population databases (ExAC no frequency). This variant has not been reported in the literature in individuals with NEFL-related conditions. Experimental studies and prediction algorithms are not available or were not evaluated, and the functional significance of this variant is currently unknown. In summary, the available evidence is currently insufficient to determine the role of this variant in disease. Therefore, it has been classified as a Variant of Uncertain Significance.

NM_006158.5(NEFL):c.856G>T (p.Val286Leu)

Gene: NEFL (neurofilament light chain; minus strand). Cytogenetic location: 8p21.2.
Variant type: single nucleotide variant.
Coding change: c.856G>T on transcript NM_006158.5 (MANE Select); coding-DNA position 856, G replaced by T.
Protein change: p.Val286Leu; replaces valine 286 with leucine.
Molecular consequence: missense variant.
Genome position (GRCh38, 1-based): chr8:24,955,660, C>A on the plus strand (G>T on the coding strand, the complement: NEFL is on the minus strand). VCF-style: chr8-24955660-C-A. GRCh37 (hg19) VCF-style: chr8-24813174-C-A.
Other names: short protein forms V286L.
Identifiers: ClinVar variation 1058500 (VCV001058500.3), dbSNP rs902640009, ClinGen allele CA174060661.